The following is an entry in ClinVar:

NM_024408.4(NOTCH2):c.6236C>T (p.Ala2079Val)

Gene: NOTCH2 (notch receptor 2; minus strand). Cytogenetic location: 1p12.
Variant type: single nucleotide variant.
Coding change: c.6236C>T on transcript NM_024408.4 (MANE Select); coding-DNA position 6236, C replaced by T.
Protein change: p.Ala2079Val; replaces alanine 2079 with valine.
Molecular consequence: missense variant.
Genome position (GRCh38, 1-based): chr1:119,916,486, G>A on the plus strand (C>T on the coding strand, the complement: NOTCH2 is on the minus strand). VCF-style: chr1-119916486-G-A. GRCh37 (hg19) VCF-style: chr1-120459109-G-A.
Other names: short protein forms A2079V.
Identifiers: ClinVar variation 2749098 (VCV002749098.3), dbSNP rs774122067, ClinGen allele CA1039457.
Genomic context (GRCh38, chr1:119,916,486, plus strand): 5'-ATTGGGGTGTGCTTCAGGCTGAGGAAAGATCTGTTGGGCCCACAGATGACAGGTGAGAGA[G>A]CAGAAGTCAACACGGTGCCTGGAGGGCTTGGGGTCACATTGTATTCATCCAGAAGGCGCA-3'
Protein context (NP_077719.2, residues 2069-2089): PSPPGTVLTS[Ala2079Val]LSPVICGPNR

ClinVar aggregate classification (germline): Uncertain significance (1 of 4 stars; one submission).

Conditions:
Hajdu-Cheney syndrome (HJCYS). Also called: ACROOSTEOLYSIS WITH OSTEOPOROSIS AND CHANGES IN SKULL AND MANDIBLE; SERPENTINE FIBULA-POLYCYSTIC KIDNEY SYNDROME; Acroosteolysis dominant type. Identifiers: Orphanet 955, MedGen C0917715, MONDO:0007057, OMIM 102500.

Allele frequency attached by ClinVar (database versions not stated): ExAC 0.00001.

Submission:

Labcorp Genetics (formerly Invitae), Labcorp
Classification: Uncertain significance for Hajdu-Cheney syndrome. Last evaluated: 2023-08-01. Review status: criteria provided, single submitter. Criteria: Invitae Variant Classification Sherloc (09022015). Collection method: clinical testing. Allele origin: germline.
Comment: This variant has not been reported in the literature in individuals affected with NOTCH2-related conditions. Advanced modeling of protein sequence and biophysical properties (such as structural, functional, and spatial information, amino acid conservation, physicochemical variation, residue mobility, and thermodynamic stability) performed at Invitae indicates that this missense variant is not expected to disrupt NOTCH2 protein function. In summary, the available evidence is currently insufficient to determine the role of this variant in disease. Therefore, it has been classified as a Variant of Uncertain Significance. This sequence change replaces alanine, which is neutral and non-polar, with valine, which is neutral and non-polar, at codon 2079 of the NOTCH2 protein (p.Ala2079Val). This variant is not present in population databases (gnomAD no frequency).